The following is an entry in ClinVar:

NM_032119.4(ADGRV1):c.8021G>A (p.Ser2674Asn)

Gene: ADGRV1 (adhesion G protein-coupled receptor V1; plus strand). Cytogenetic location: 5q14.3.
Variant type: single nucleotide variant.
Coding change: c.8021G>A on transcript NM_032119.4 (MANE Select); coding-DNA position 8021, G replaced by A.
Protein change: p.Ser2674Asn; replaces serine 2674 with asparagine.
Molecular consequence: missense variant. On other transcripts: non-coding transcript variant (1).
Genome position (GRCh38, 1-based): chr5:90,697,012, G>A. VCF-style: chr5-90697012-G-A. GRCh37 (hg19) VCF-style: chr5-89992829-G-A.
Other names: short protein forms S2674N.
Identifiers: ClinVar variation 1357147 (VCV001357147.8), dbSNP rs749000926, ClinGen allele CA360384985.

ClinVar aggregate classification (germline): Uncertain significance (1 of 4 stars; one submission).

Submission:

Labcorp Genetics (formerly Invitae), Labcorp
Classification: Uncertain significance. Last evaluated: 2023-10-13. Review status: criteria provided, single submitter. Criteria: Invitae Variant Classification Sherloc (09022015). Collection method: clinical testing. Allele origin: germline.
Comment: This sequence change replaces serine, which is neutral and polar, with asparagine, which is neutral and polar, at codon 2674 of the ADGRV1 protein (p.Ser2674Asn). This variant is not present in population databases (gnomAD no frequency). This variant has not been reported in the literature in individuals affected with ADGRV1-related conditions. ClinVar contains an entry for this variant (Variation ID: 1357147). Advanced modeling of protein sequence and biophysical properties (such as structural, functional, and spatial information, amino acid conservation, physicochemical variation, residue mobility, and thermodynamic stability) performed at Invitae indicates that this missense variant is not expected to disrupt ADGRV1 protein function. In summary, the available evidence is currently insufficient to determine the role of this variant in disease. Therefore, it has been classified as a Variant of Uncertain Significance.